The following is an entry in ClinVar:

ClinVar aggregate classification (germline): Likely benign (1 of 4 stars; one submission).

Allele frequency attached by ClinVar (database versions not stated): 1000 Genomes Project 30x 0.00141.
gnomAD v4.1: 510 of 218,426 alleles (0.23%); highest among the groups gnomAD compares: Non-Finnish European, 0.31%; 1 homozygote.

Submission:

CeGaT Center for Human Genetics Tuebingen
Classification: Likely benign. Last evaluated: 2026-07-01. Review status: criteria provided, single submitter. Criteria: CeGaT Center For Human Genetics Tuebingen Variant Classification Criteria Version 2. Collection method: clinical testing. Allele origin: germline. Affected: yes. Observed: 13 variant alleles.
Comment: BRD4: BS1

NM_001379291.1(BRD4):c.2159-3686C>G

Gene: BRD4 (bromodomain containing 4; minus strand). Cytogenetic location: 19p13.12.
Variant type: single nucleotide variant.
Coding change: c.2159-3686C>G on transcript NM_001379291.1 (MANE Select); 3686 bases into the intron before coding-DNA position 2159, C replaced by G.
Molecular consequence: intron variant. On other transcripts: 3 prime UTR variant (2).
Genome position (GRCh38, 1-based): chr19:15,248,448, G>C on the plus strand (C>G on the coding strand, the complement: BRD4 is on the minus strand). VCF-style: chr19-15248448-G-C. GRCh37 (hg19) VCF-style: chr19-15359259-G-C.
Other names: c.*832C>G (NM_001379292.1, NM_014299.3); c.2159-3686C>G (NM_058243.3).
Identifiers: ClinVar variation 2649461 (VCV002649461.24), dbSNP rs3787030, ClinGen allele CA305794932.
Genomic context (GRCh38, chr19:15,248,448, plus strand): 5'-TCTGGTCCACCAGCCCAGACTCACCCCACTAGAGGAGGCGGGTGGGGTGAGGTGGGGTTG[G>C]GGGGATGATAGGCCCAAGGCCCTTCACCAGTGCCTGCCTGGCAGGTCCTGCATACTGCAG-3'